The following is an entry in ClinVar:

ClinVar aggregate classification (germline): Uncertain significance (1 of 4 stars; one submission).

gnomAD v4.1: 1 of 1,614,086 alleles (0.000062%); highest among the groups gnomAD compares: Admixed American, 0.0017%; no homozygotes.

Submission:

GeneDx
Classification: Uncertain significance. Last evaluated: 2024-09-26. Review status: criteria provided, single submitter. Criteria: GeneDx Variant Classification Process June 2021. Collection method: clinical testing. Allele origin: germline. Affected: yes.
Comment: In silico analysis supports that this missense variant has a deleterious effect on protein structure/function; Has not been previously published as pathogenic or benign to our knowledge

NM_006946.4(SPTBN2):c.5867T>C (p.Ile1956Thr)

Gene: SPTBN2 (spectrin beta, non-erythrocytic 2; minus strand). Cytogenetic location: 11q13.2.
Variant type: single nucleotide variant.
Coding change: c.5867T>C on transcript NM_006946.4 (MANE Select); coding-DNA position 5867, T replaced by C.
Protein change: p.Ile1956Thr; replaces isoleucine 1956 with threonine.
Molecular consequence: missense variant.
Genome position (GRCh38, 1-based): chr11:66,689,887, A>G on the plus strand (T>C on the coding strand, the complement: SPTBN2 is on the minus strand). VCF-style: chr11-66689887-A-G. GRCh37 (hg19) VCF-style: chr11-66457358-A-G.
Other names: c.5888T>C, p.Ile1963Thr (NM_001411025.1); short protein forms I1956T, I1963T.
Identifiers: ClinVar variation 3774980 (VCV003774980.1).
Genomic context (GRCh38, chr11:66,689,887, plus strand): 5'-CTGGCCAGCAGCTCCTTCCCCATGTCGATGCAGGAGGAGAAGCGGTCTGCCCGGGCCTCT[A>G]TCTCTGCCTTGATGCCTTGCTGGTTCTTGATGACTAGATCCGCGGAGGACACATCCCTGG-3'
Protein context (NP_008877.2, residues 1946-1966): IKNQQGIKAE[Ile1956Thr]EARADRFSSC